The following is an entry in ClinVar:

ClinVar aggregate classification (germline): Uncertain significance (1 of 4 stars; one submission).

gnomAD v4.1: 1 of 1,613,796 alleles (0.000062%); highest among the groups gnomAD compares: Non-Finnish European, 0.000085%; no homozygotes.

Submission:

Labcorp Genetics (formerly Invitae), Labcorp
Classification: Uncertain significance. Last evaluated: 2025-11-12. Review status: criteria provided, single submitter. Criteria: Invitae Variant Classification Sherloc (09022015). Collection method: clinical testing. Allele origin: germline.
Comment: This sequence change replaces threonine, which is neutral and polar, with lysine, which is basic and polar, at codon 395 of the RIPK1 protein (p.Thr395Lys). This variant is not present in population databases (gnomAD no frequency). This variant has not been reported in the literature in individuals affected with RIPK1-related conditions. ClinVar contains an entry for this variant (Variation ID: 1490778). An algorithm developed to predict the effect of missense changes on protein structure and function (PolyPhen-2) suggests that this variant is likely to be tolerated. In summary, the available evidence is currently insufficient to determine the role of this variant in disease. Therefore, it has been classified as a Variant of Uncertain Significance.

NM_001354930.2(RIPK1):c.1184C>A (p.Thr395Lys)

Gene: RIPK1 (receptor interacting serine/threonine kinase 1; plus strand). Cytogenetic location: 6p25.2.
Variant type: single nucleotide variant.
Coding change: c.1184C>A on transcript NM_001354930.2 (MANE Select); coding-DNA position 1184, C replaced by A.
Protein change: p.Thr395Lys; replaces threonine 395 with lysine.
Molecular consequence: missense variant.
Genome position (GRCh38, 1-based): chr6:3,105,659, C>A. VCF-style: chr6-3105659-C-A. GRCh37 (hg19) VCF-style: chr6-3105893-C-A.
Other names: c.695C>A, p.Thr232Lys (NM_001317061.3, NM_001354932.2, NM_001354933.2 and 1 more transcripts); c.1046C>A, p.Thr349Lys (NM_001354931.2); c.1184C>A, p.Thr395Lys (NM_003804.6); short protein forms T349K, T232K, T395K.
Identifiers: ClinVar variation 1490778 (VCV001490778.6), dbSNP rs368085162, ClinGen allele CA362571736.